The following is an entry in ClinVar:

ClinVar aggregate classification (germline): Uncertain significance (1 of 4 stars; one submission).

Allele frequency attached by ClinVar (database versions not stated): TOPMed below 0.00001; ExAC 0.00001; gnomAD 0.00001; gnomAD exomes 0.00008.
gnomAD v4.1: 107 of 1,608,952 alleles (0.0067%); highest among the groups gnomAD compares: Non-Finnish European, 0.009%; no homozygotes.

Submission:

Labcorp Genetics (formerly Invitae), Labcorp
Classification: Uncertain significance. Last evaluated: 2022-03-18. Review status: criteria provided, single submitter. Criteria: Invitae Variant Classification Sherloc (09022015). Collection method: clinical testing. Allele origin: germline.
Comment: This sequence change falls in intron 5 of the CEP135 gene. It does not directly change the encoded amino acid sequence of the CEP135 protein. This variant is present in population databases (rs746576951, gnomAD 0.007%). This variant has not been reported in the literature in individuals affected with CEP135-related conditions. Algorithms developed to predict the effect of sequence changes on RNA splicing suggest that this variant may disrupt the consensus splice site. In summary, the available evidence is currently insufficient to determine the role of this variant in disease. Therefore, it has been classified as a Variant of Uncertain Significance.

NM_025009.5(CEP135):c.615-15T>G

Gene: CEP135 (centrosomal protein 135; plus strand). Cytogenetic location: 4q12.
Variant type: single nucleotide variant.
Coding change: c.615-15T>G on transcript NM_025009.5 (MANE Select); 15 bases into the intron before coding-DNA position 615, T replaced by G.
Molecular consequence: intron variant.
Genome position (GRCh38, 1-based): chr4:55,959,667, T>G. VCF-style: chr4-55959667-T-G. GRCh37 (hg19) VCF-style: chr4-56825833-T-G.
Identifiers: ClinVar variation 1961012 (VCV001961012.2), dbSNP rs746576951, ClinGen allele CA2927609.